The following is an entry in ClinVar:

NM_002143.3(HPCA):c.340G>A (p.Gly114Ser)

Gene: HPCA (hippocalcin; plus strand). Cytogenetic location: 1p35.1.
Variant type: single nucleotide variant.
Coding change: c.340G>A on transcript NM_002143.3 (MANE Select); coding-DNA position 340, G replaced by A.
Protein change: p.Gly114Ser; replaces glycine 114 with serine.
Molecular consequence: missense variant.
Genome position (GRCh38, 1-based): chr1:32,889,238, G>A. VCF-style: chr1-32889238-G-A. GRCh37 (hg19) VCF-style: chr1-33354839-G-A.
Other names: short protein forms G114S.
Identifiers: ClinVar variation 1313506 (VCV001313506.2), dbSNP rs76792390, ClinGen allele CA20296510.

ClinVar aggregate classification (germline): Uncertain significance (1 of 4 stars; one submission).

Submission:

GeneDx
Classification: Uncertain significance. Last evaluated: 2020-10-26. Review status: criteria provided, single submitter. Criteria: GeneDx Variant Classification Process June 2021. Collection method: clinical testing. Allele origin: germline. Affected: yes.
Comment: Not observed in large population cohorts (Lek et al., 2016); In silico analysis supports that this missense variant has a deleterious effect on protein structure/function; Has not been previously published as pathogenic or benign to our knowledge